The following is an entry in ClinVar:

ClinVar aggregate classification (germline): Uncertain significance (1 of 4 stars; one submission).

Conditions:
Developmental and epileptic encephalopathy, 1 (DEE1). Also called: INFANTILE SPASM SYNDROME, X-LINKED 1; X-linked infantile spasms; West's syndrome; Tonic spasms with clustering, arrest of psychomotor development and hypsarrhythmia on EEG; X-Linked Infantile Spasm Syndrome; OHTAHARA SYNDROME, X-LINKED. Identifiers: MedGen C3463992, MONDO:0010632, OMIM 308350. Disease mechanism: loss of function.
Autosomal recessive spinocerebellar ataxia 12. Also called: SPINOCEREBELLAR ATAXIA WITH MENTAL RETARDATION AND EPILEPSY. Identifiers: Orphanet 284282, MedGen C3280452, MONDO:0013687, OMIM 614322.

Submission:

Labcorp Genetics (formerly Invitae), Labcorp
Classification: Uncertain significance for Developmental and epileptic encephalopathy, 1; Autosomal recessive spinocerebellar ataxia 12. Last evaluated: 2017-10-16. Review status: criteria provided, single submitter. Criteria: Invitae Variant Classification Sherloc (09022015). Collection method: clinical testing. Allele origin: germline.
Comment: This variant is a gross duplication of the genomic region encompassing exons 1-8 of the WWOX gene. The 5' end of this event is unknown as it extends beyond the assayed region for this gene and therefore may encompass additional genes. The 3' boundary is likely confined to intron 8 of the WWOX gene. This particular copy number variant has not been reported in the literature in individuals with a WWOX-related disease. Gross duplications that include at least part of the 5' end of the WWOX gene, and extend to adjacent genes, have been reported in individuals affected with autism spectrum disorder. However, some of these duplications were also reported in unaffected family members (PMID: 27569545). In summary, the exact genomic location of this variant is unknown and this variant has uncertain impact on WWOX function. The available evidence is currently insufficient to determine its role in disease. Therefore, it has been classified as a Variant of Uncertain Significance.

Literature cited by the submitters: PubMed 27569545.

NC_000016.9:g.(?_78133656)_(78466669_?)dup

Gene: WWOX (WW domain containing oxidoreductase; plus strand). Cytogenetic location: 16q23.1.
Variant type: Duplication.
Identifiers: ClinVar variation 473014 (VCV000473014.1).